The following is an entry in ClinVar:

NM_014795.4(ZEB2):c.1945A>C (p.Ile649Leu)

Gene: ZEB2 (zinc finger E-box binding homeobox 2; minus strand). Cytogenetic location: 2q22.3.
Variant type: single nucleotide variant.
Coding change: c.1945A>C on transcript NM_014795.4 (MANE Select); coding-DNA position 1945, A replaced by C.
Protein change: p.Ile649Leu; replaces isoleucine 649 with leucine.
Molecular consequence: missense variant.
Genome position (GRCh38, 1-based): chr2:144,399,242, T>G on the plus strand (A>C on the coding strand, the complement: ZEB2 is on the minus strand). VCF-style: chr2-144399242-T-G. GRCh37 (hg19) VCF-style: chr2-145156809-T-G.
Other names: p.I649L:ATC>CTC; c.1873A>C, p.Ile625Leu (NM_001171653.2); short protein forms I649L, I625L.
Identifiers: ClinVar variation 181714 (VCV000181714.4), dbSNP rs730881177, ClinGen allele CA297564.
Genomic context (GRCh38, chr2:144,399,242, plus strand): 5'-GCTCCATGTTCATAGCATAGTATGCTTTGAGTACAGACATGTGGTCCTTGTATGGGTTGA[T>G]GGGGCTTGTCATTCCTTTCTCAGAAAGTACAGATGACAAGAGGAGGGCTTTATTATCAAC-3'
Protein context (NP_055610.1, residues 639-659): VLSEKGMTSP[Ile649Leu]NPYKDHMSVL

ClinVar aggregate classification (germline): Conflicting classifications of pathogenicity. Review status: criteria provided, conflicting classifications (1 of 4 stars). 2 submissions from 2 submitters: Uncertain significance (1); Likely benign (1). Last evaluated 2022-12-21.

Conditions:
Mowat-Wilson syndrome (MOWS). Also called: Classic Mowat-Wilson Syndrome. Identifiers: Orphanet 2152, MedGen C1856113, MONDO:0009341, OMIM 235730.

Submissions (2):

Labcorp Genetics (formerly Invitae), Labcorp
Classification: Uncertain significance for Mowat-Wilson syndrome. Last evaluated: 2022-12-21. Review status: criteria provided, single submitter. Criteria: Invitae Variant Classification Sherloc (09022015). Collection method: clinical testing. Allele origin: germline.
Comment: This variant is not present in population databases (gnomAD no frequency). This sequence change replaces isoleucine, which is neutral and non-polar, with leucine, which is neutral and non-polar, at codon 649 of the ZEB2 protein (p.Ile649Leu). This variant has not been reported in the literature in individuals affected with ZEB2-related conditions. ClinVar contains an entry for this variant (Variation ID: 181714). Advanced modeling of protein sequence and biophysical properties (such as structural, functional, and spatial information, amino acid conservation, physicochemical variation, residue mobility, and thermodynamic stability) performed at Invitae indicates that this missense variant is not expected to disrupt ZEB2 protein function. In summary, the available evidence is currently insufficient to determine the role of this variant in disease. Therefore, it has been classified as a Variant of Uncertain Significance.

GeneDx
Classification: Likely benign. Last evaluated: 2013-11-04. Review status: criteria provided, single submitter. Criteria: GeneDx Variant Classification (06012015). Collection method: clinical testing. Allele origin: germline. Affected: yes.
Comment: This variant is considered likely benign or benign based on one or more of the following criteria: it is a conservative change, it occurs at a poorly conserved position in the protein, it is predicted to be benign by multiple in silico algorithms, and/or has population frequency not consistent with disease.